The following is an entry in ClinVar:

ClinVar aggregate classification (germline): Uncertain significance (1 of 4 stars; one submission).

Conditions:
Hereditary cancer-predisposing syndrome. Also called: Tumor predisposition; Neoplastic Syndromes, Hereditary; Hereditary neoplastic syndrome; Hereditary Cancer Syndrome. Identifiers: Orphanet 140162, MedGen C0027672, MeSH D009386, MONDO:0015356.

Submission:

Ambry Genetics
Classification: Uncertain significance for Hereditary cancer-predisposing syndrome. Last evaluated: 2025-09-05. Review status: criteria provided, single submitter. Criteria: Ambry Variant Classification Scheme 2023. Collection method: clinical testing. Allele origin: germline.
Comment: The p.S459R variant (also known as c.1377C>G), located in coding exon 9 of the MEN1 gene, results from a C to G substitution at nucleotide position 1377. The serine at codon 459 is replaced by arginine, an amino acid with dissimilar properties. This amino acid position is well conserved in available vertebrate species. In addition, the in silico prediction for this alteration is inconclusive. Based on the available evidence, the clinical significance of this variant remains unclear.

NM_001370259.2(MEN1):c.1377C>G (p.Ser459Arg)

Gene: MEN1 (menin 1; minus strand). Cytogenetic location: 11q13.1.
Variant type: single nucleotide variant.
Coding change: c.1377C>G on transcript NM_001370259.2 (MANE Select); coding-DNA position 1377, C replaced by G.
Protein change: p.Ser459Arg; replaces serine 459 with arginine.
Molecular consequence: missense variant. On other transcripts: non-coding transcript variant (4).
Genome position (GRCh38, 1-based): chr11:64,804,790, G>C on the plus strand (C>G on the coding strand, the complement: MEN1 is on the minus strand). VCF-style: chr11-64804790-G-C. GRCh37 (hg19) VCF-style: chr11-64572262-G-C.
Other names: c.1392C>G, p.Ser464Arg (NM_000244.4, NM_001407145.1, NM_130800.3 and 4 more transcripts); c.1503C>G, p.Ser501Arg (NM_001370251.2, NM_001407142.1, NM_001407143.1 and 1 more transcripts); c.1377C>G, p.Ser459Arg (NM_001370260.2, NM_001370261.2, NM_001407146.1 and 2 more transcripts); c.1272C>G, p.Ser424Arg (NM_001370262.2, NM_001370263.2, NM_001407148.1 and 1 more transcripts); c.1518C>G, p.Ser506Arg (NM_001407150.1); c.1398C>G, p.Ser466Arg (NM_001407151.1); c.1212C>G, p.Ser404Arg (NM_001407152.1); short protein forms S459R, S501R, S424R, S466R, S464R, S506R, S404R.
Identifiers: ClinVar variation 4106577 (VCV004106577.1).